The following is an entry in ClinVar:

NM_182925.5(FLT4):c.1130G>T (p.Gly377Val)

Gene: FLT4 (fms related receptor tyrosine kinase 4; minus strand). Cytogenetic location: 5q35.3.
Variant type: single nucleotide variant.
Coding change: c.1130G>T on transcript NM_182925.5 (MANE Select); coding-DNA position 1130, G replaced by T.
Protein change: p.Gly377Val; replaces glycine 377 with valine.
Molecular consequence: missense variant.
Genome position (GRCh38, 1-based): chr5:180,626,239, C>A on the plus strand (G>T on the coding strand, the complement: FLT4 is on the minus strand). VCF-style: chr5-180626239-C-A. GRCh37 (hg19) VCF-style: chr5-180053239-C-A.
Other names: c.1130G>T, p.Gly377Val (NM_001354989.2, NM_002020.5); short protein forms G377V.
Identifiers: ClinVar variation 3046938 (VCV003046938.2), dbSNP rs934716331, ClinGen allele CA133222043.
Genomic context (GRCh38, chr5:180,626,239, plus strand): 5'-TAGGTGCCTGTGCTGGCCTCTGTCACCTCCTTGAGCACCAGGGCATGTGGACTGTGGCGC[C>A]CGGACAGTGCCTTTCCATCCTTGTACCTGGCCAGGGAAGGGAGGTCAGGGCCCATACAGA-3'
Protein context (NP_891555.2, residues 367-387): QWYKDGKALS[Gly377Val]RHSPHALVLK

ClinVar aggregate classification (germline): Uncertain significance (0 of 4 stars; one submission).

Conditions:
FLT4-related disorder. Also called: FLT4-related condition.

Allele frequency attached by ClinVar (database versions not stated): gnomAD exomes 0.00001; TOPMed 0.00001.
gnomAD v4.1: 4 of 1,612,666 alleles (0.00025%); highest among the groups gnomAD compares: Admixed American, 0.0067%; no homozygotes.

Submission:

PreventionGenetics, part of Exact Sciences
Classification: Uncertain significance for FLT4-related condition. Last evaluated: 2024-02-08. Review status: no assertion criteria provided. Collection method: clinical testing. Allele origin: germline.
Comment: The FLT4 c.1130G>T variant is predicted to result in the amino acid substitution p.Gly377Val. To our knowledge, this variant has not been reported in the literature. This variant is reported in 0.0058% of alleles in individuals of Latino descent in gnomAD. At this time, the clinical significance of this variant is uncertain due to the absence of conclusive functional and genetic evidence.